The following is an entry in ClinVar:

NM_002470.4(MYH3):c.4801G>A (p.Ala1601Thr)

Gene: MYH3 (myosin heavy chain 3; minus strand). Cytogenetic location: 17p13.1.
Variant type: single nucleotide variant.
Coding change: c.4801G>A on transcript NM_002470.4 (MANE Select); coding-DNA position 4801, G replaced by A.
Protein change: p.Ala1601Thr; replaces alanine 1601 with threonine.
Molecular consequence: missense variant.
Genome position (GRCh38, 1-based): chr17:10,632,631, C>T on the plus strand (G>A on the coding strand, the complement: MYH3 is on the minus strand). VCF-style: chr17-10632631-C-T. GRCh37 (hg19) VCF-style: chr17-10535948-C-T.
Other names: short protein forms A1601T.
Identifiers: ClinVar variation 808230 (VCV000808230.46), dbSNP rs764578014, ClinGen allele CA8392118.

ClinVar aggregate classification (germline): Conflicting classifications of pathogenicity. Review status: criteria provided, conflicting classifications (1 of 4 stars). 2 submissions from 2 submitters: Uncertain significance (1); Likely benign (1). Last evaluated 2023-04-09.

Allele frequency attached by ClinVar (database versions not stated): gnomAD 0.00001; ExAC 0.00002; gnomAD exomes 0.00002; TOPMed 0.00002.
gnomAD v4.1: 20 of 1,614,152 alleles (0.0012%); highest among the groups gnomAD compares: Middle Eastern, 0.033%; no homozygotes.

Submissions (2):

Labcorp Genetics (formerly Invitae), Labcorp
Classification: Uncertain significance. Last evaluated: 2023-04-09. Review status: criteria provided, single submitter. Criteria: Invitae Variant Classification Sherloc (09022015). Collection method: clinical testing. Allele origin: germline.
Comment: This variant is present in population databases (rs764578014, gnomAD 0.004%). This sequence change replaces alanine, which is neutral and non-polar, with threonine, which is neutral and polar, at codon 1601 of the MYH3 protein (p.Ala1601Thr). This variant has not been reported in the literature in individuals affected with MYH3-related conditions. ClinVar contains an entry for this variant (Variation ID: 808230). Advanced modeling of protein sequence and biophysical properties (such as structural, functional, and spatial information, amino acid conservation, physicochemical variation, residue mobility, and thermodynamic stability) performed at Invitae indicates that this missense variant is not expected to disrupt MYH3 protein function. In summary, the available evidence is currently insufficient to determine the role of this variant in disease. Therefore, it has been classified as a Variant of Uncertain Significance.

CeGaT Center for Human Genetics Tuebingen
Classification: Likely benign. Last evaluated: 2018-03-01. Review status: criteria provided, single submitter. Criteria: CeGaT Center For Human Genetics Tuebingen Variant Classification Criteria Version 2. Collection method: clinical testing. Allele origin: germline. Affected: yes. Observed: 1 variant allele.